The following is an entry in ClinVar:

NM_031844.3(HNRNPU):c.607G>A (p.Ala203Thr)

Gene: HNRNPU (heterogeneous nuclear ribonucleoprotein U; minus strand). Cytogenetic location: 1q44.
Variant type: single nucleotide variant.
Coding change: c.607G>A on transcript NM_031844.3 (MANE Select); coding-DNA position 607, G replaced by A.
Protein change: p.Ala203Thr; replaces alanine 203 with threonine.
Molecular consequence: missense variant.
Genome position (GRCh38, 1-based): chr1:244,863,701, C>T on the plus strand (G>A on the coding strand, the complement: HNRNPU is on the minus strand). VCF-style: chr1-244863701-C-T. GRCh37 (hg19) VCF-style: chr1-245027003-C-T.
Other names: c.607G>A, p.Ala203Thr (NM_004501.3); short protein forms A203T.
Identifiers: ClinVar variation 218813 (VCV000218813.4), dbSNP rs773306715, ClinGen allele CA249113.

ClinVar aggregate classification (germline): Uncertain significance. Review status: criteria provided, multiple submitters, no conflicts (2 of 4 stars). 2 submissions from 2 submitters: Uncertain significance (2). Last evaluated 2023-10-20.

Conditions:
Developmental and epileptic encephalopathy, 54. Also called: Epileptic encephalopathy, early infantile, 54; HNRNPU-Related Neurodevelopmental Disorder. Identifiers: MedGen C4479319, MONDO:0033363, OMIM 617391.

Allele frequency attached by ClinVar (database versions not stated): gnomAD exomes 0.00001; ExAC 0.00002.
gnomAD v4.1: 7 of 1,564,968 alleles (0.00045%); highest among the groups gnomAD compares: Middle Eastern, 0.017%; no homozygotes.

Submissions (2):

Labcorp Genetics (formerly Invitae), Labcorp
Classification: Uncertain significance for Developmental and epileptic encephalopathy, 54. Last evaluated: 2023-10-20. Review status: criteria provided, single submitter. Criteria: Invitae Variant Classification Sherloc (09022015). Collection method: clinical testing. Allele origin: germline.
Comment: This sequence change replaces alanine, which is neutral and non-polar, with threonine, which is neutral and polar, at codon 203 of the HNRNPU protein (p.Ala203Thr). The frequency data for this variant in the population databases is considered unreliable, as metrics indicate poor data quality at this position in the gnomAD database. This variant has not been reported in the literature in individuals affected with HNRNPU-related conditions. ClinVar contains an entry for this variant (Variation ID: 218813). Advanced modeling of protein sequence and biophysical properties (such as structural, functional, and spatial information, amino acid conservation, physicochemical variation, residue mobility, and thermodynamic stability) performed at Invitae indicates that this missense variant is not expected to disrupt HNRNPU protein function. In summary, the available evidence is currently insufficient to determine the role of this variant in disease. Therefore, it has been classified as a Variant of Uncertain Significance.

Genomic Diagnostic Laboratory, Division of Genomic Diagnostics, Children's Hospital of Philadelphia
Classification: Uncertain significance. Last evaluated: 2015-03-06. Review status: criteria provided, single submitter. Criteria: DGD Variant Analysis Guidelines. Collection method: clinical testing. Allele origin: unknown.